The following is an entry in ClinVar:

NM_001361.5(DHODH):c.1036C>T (p.Arg346Trp)

Genes: DHODH (dihydroorotate dehydrogenase (quinone); plus strand), LOC126862390 (MED14-independent group 3 enhancer GRCh37_chr16:72057307-72058506; plus strand). Cytogenetic location: 16q22.2.
Variant type: single nucleotide variant.
Coding change: c.1036C>T on transcript NM_001361.5 (MANE Select); coding-DNA position 1036, C replaced by T.
Protein change: p.Arg346Trp; replaces arginine 346 with tryptophan.
Molecular consequence: missense variant.
Genome position (GRCh38, 1-based): chr16:72,023,536, C>T. VCF-style: chr16-72023536-C-T. GRCh37 (hg19) VCF-style: chr16-72057435-C-T.
Other names: short protein forms R346W.
Identifiers: ClinVar variation 16800 (VCV000016800.7), dbSNP rs201947120, ClinGen allele CA126896.

ClinVar aggregate classification (germline): Pathogenic/Likely pathogenic. Review status: criteria provided, multiple submitters, no conflicts (2 of 4 stars). 5 submissions from 5 submitters: Pathogenic (2); Likely pathogenic (2). 1 of the submissions does not count toward it. Last evaluated 2026-03-09.

Conditions:
Miller syndrome (POADS). Also called: Genee-Wiedemann acrofacial dysostosis; GENEE-WIEDEMANN SYNDROME. Identifiers: Orphanet 246, MedGen C0265257, MONDO:0009903, OMIM 263750.

Allele frequency attached by ClinVar (database versions not stated): gnomAD 0.00005 and 0.00006; ExAC 0.00007; TOPMed 0.00008; gnomAD exomes 0.00008 and 0.00007; ESP Exome Variant Server 0.00016.
gnomAD v4.1: 107 of 1,613,964 alleles (0.0066%); highest among the groups gnomAD compares: Admixed American, 0.018%; no homozygotes.

Submissions (5):

Dasa
Classification: Pathogenic. Last evaluated: 2026-03-09. Review status: criteria provided, single submitter. Criteria: DASA Assertion Criteria. Collection method: clinical testing. Allele origin: germline.
Comment: NM_001361.5(DHODH):c.1036C>T (p.Arg346Trp) is a missense variant that results in the substitution of arginine with tryptophan. Segregation evidence has been reported in affected families. This variant has been observed in affected individuals with related phenotype in a genotype context consistent with recessive disease (PMID: 22967083; PMID: 22692683; PMID: 21346561; PMID: 19915526). Functional evidence supports a deleterious effect on the gene or gene product (PMID: 22967083; PMID: 22692683; PMID: 21346561; PMID: 19915526). This variant has been recurrently observed in individuals with related phenotype (PMID: 22967083; PMID: 22692683; PMID: 21346561; PMID: 19915526). Multiple computational predictions support a deleterious effect on the gene or gene product. The variant is present at low frequency in population datasets. Based on the available data, this variant is classified as pathogenic.

Labcorp Genetics (formerly Invitae), Labcorp
Classification: Pathogenic. Last evaluated: 2025-12-15. Review status: criteria provided, single submitter. Criteria: Invitae Variant Classification Sherloc (09022015). Collection method: clinical testing. Allele origin: germline.
Comment: This sequence change replaces arginine, which is basic and polar, with tryptophan, which is neutral and slightly polar, at codon 346 of the DHODH protein (p.Arg346Trp). This variant is present in population databases (rs201947120, gnomAD 0.03%). This missense change has been observed in individual(s) with Miller syndrome (PMID: 19915526, 21346561, 22692683). In at least one individual the data is consistent with being in trans (on the opposite chromosome) from a pathogenic variant. ClinVar contains an entry for this variant (Variation ID: 16800). Invitae Evidence Modeling of protein sequence and biophysical properties (such as structural, functional, and spatial information, amino acid conservation, physicochemical variation, residue mobility, and thermodynamic stability) indicates that this missense variant is expected to disrupt DHODH protein function with a positive predictive value of 80%. Experimental studies have shown that this missense change affects DHODH function (PMID: 22692683). For these reasons, this variant has been classified as Pathogenic.

GeneDx
Classification: Likely pathogenic. Last evaluated: 2025-05-16. Review status: criteria provided, single submitter. Criteria: GeneDx Variant Classification Process June 2021. Collection method: clinical testing. Allele origin: germline. Affected: yes.
Comment: Published functional studies demonstrate reduced enzymatic activity and deficient protein stability (PMID: 22967083, 22692683); In silico analysis supports that this missense variant has a deleterious effect on protein structure/function; This variant is associated with the following publications: (PMID: 23216091, 22692683, 31589614, 33262786, 19684571, 27814609, 37120754, 36869602, 19915526, 22967083, 21346561)

Baylor Genetics
Classification: Likely pathogenic for Miller syndrome. Last evaluated: 2022-03-23. Review status: criteria provided, single submitter. Criteria: ACMG Guidelines, 2015. Collection method: clinical testing. Allele origin: unknown.

OMIM
Classification: Pathogenic for MILLER SYNDROME. Last evaluated: 2010-01-01. Review status: no assertion criteria provided. Collection method: literature only. Allele origin: germline. Not counted in ClinVar's aggregate classification.

Literature cited by the submitters: PubMed 22967083 (cited by Dasa); PubMed 22692683 (cited by Dasa and Labcorp Genetics (formerly Invitae), Labcorp); PubMed 21346561 (cited by Dasa and Labcorp Genetics (formerly Invitae), Labcorp); PubMed 19915526 (cited by 3 submitters).